The following is an entry in ClinVar:

ClinVar aggregate classification (germline): Uncertain significance. Review status: criteria provided, multiple submitters, no conflicts (2 of 4 stars). 2 submissions from 2 submitters: Uncertain significance (2). Last evaluated 2024-09-11.

Conditions:
Inborn genetic diseases. Identifiers: MedGen C0950123, MeSH D030342.

Allele frequency attached by ClinVar (database versions not stated): TOPMed below 0.00001.
gnomAD v4.1: 4 of 1,614,180 alleles (0.00025%); highest among the groups gnomAD compares: Non-Finnish European, 0.00034%; no homozygotes.

Submissions (2):

Labcorp Genetics (formerly Invitae), Labcorp
Classification: Uncertain significance. Last evaluated: 2024-09-11. Review status: criteria provided, single submitter. Criteria: Invitae Variant Classification Sherloc (09022015). Collection method: clinical testing. Allele origin: germline.
Comment: This sequence change replaces tyrosine, which is neutral and polar, with asparagine, which is neutral and polar, at codon 2421 of the DNAH9 protein (p.Tyr2421Asn). This variant is present in population databases (no rsID available, gnomAD 0.002%). This variant has not been reported in the literature in individuals affected with DNAH9-related conditions. ClinVar contains an entry for this variant (Variation ID: 2554998). Invitae Evidence Modeling of protein sequence and biophysical properties (such as structural, functional, and spatial information, amino acid conservation, physicochemical variation, residue mobility, and thermodynamic stability) has been performed for this missense variant. However, the output from this modeling did not meet the statistical confidence thresholds required to predict the impact of this variant on DNAH9 protein function. In summary, the available evidence is currently insufficient to determine the role of this variant in disease. Therefore, it has been classified as a Variant of Uncertain Significance.

Ambry Genetics
Classification: Uncertain significance for Inborn genetic diseases. Last evaluated: 2023-06-01. Review status: criteria provided, single submitter. Criteria: Ambry Variant Classification Scheme 2023. Collection method: clinical testing. Allele origin: germline.

NM_001372.4(DNAH9):c.7261T>A (p.Tyr2421Asn)

Gene: DNAH9 (dynein axonemal heavy chain 9; plus strand). Cytogenetic location: 17p12.
Variant type: single nucleotide variant.
Coding change: c.7261T>A on transcript NM_001372.4 (MANE Select); coding-DNA position 7261, T replaced by A.
Protein change: p.Tyr2421Asn; replaces tyrosine 2421 with asparagine.
Molecular consequence: missense variant.
Genome position (GRCh38, 1-based): chr17:11,768,543, T>A. VCF-style: chr17-11768543-T-A. GRCh37 (hg19) VCF-style: chr17-11671860-T-A.
Other names: short protein forms Y2421N.
Identifiers: ClinVar variation 2554998 (VCV002554998.3), dbSNP rs1387297193, ClinGen allele CA398189045.